The following is an entry in ClinVar:

NM_001111.5(ADAR):c.1563C>G (p.Phe521Leu)

Gene: ADAR (adenosine deaminase RNA specific; minus strand). Cytogenetic location: 1q21.3.
Variant type: single nucleotide variant.
Coding change: c.1563C>G on transcript NM_001111.5 (MANE Select); coding-DNA position 1563, C replaced by G.
Protein change: p.Phe521Leu; replaces phenylalanine 521 with leucine.
Molecular consequence: missense variant.
Genome position (GRCh38, 1-based): chr1:154,601,079, G>C on the plus strand (C>G on the coding strand, the complement: ADAR is on the minus strand). VCF-style: chr1-154601079-G-C. GRCh37 (hg19) VCF-style: chr1-154573555-G-C.
Other names: c.678C>G, p.Phe226Leu (NM_001025107.3, NM_001193495.2, NM_001365046.1 and 3 more transcripts); c.1590C>G, p.Phe530Leu (NM_001365045.1); c.1563C>G, p.Phe521Leu (NM_015840.4, NM_015841.4); short protein forms F226L, F521L, F530L.
Identifiers: ClinVar variation 3751229 (VCV003751229.2).

ClinVar aggregate classification (germline): Uncertain significance (1 of 4 stars; one submission).

Conditions:
Symmetrical dyschromatosis of extremities (DSH). Also called: DYSCHROMATOSIS SYMMETRICA HEREDITARIA 1; RETICULATE ACROPIGMENTATION OF DOHI; SYMMETRIC DYSCHROMATOSIS OF THE EXTREMITIES; Dyschromatosis symmetrica hereditaria. Identifiers: Orphanet 41, MedGen C0406775, MONDO:0007483, OMIM 127400.
Aicardi-Goutieres syndrome 6 (AGS6). Identifiers: Orphanet 51, MedGen C3539013, MONDO:0014007, OMIM 615010.

gnomAD v4.1: 1 of 1,614,160 alleles (0.000062%); highest among the groups gnomAD compares: Non-Finnish European, 0.000085%; no homozygotes.

Submission:

Labcorp Genetics (formerly Invitae), Labcorp
Classification: Uncertain significance for Aicardi-Goutieres syndrome 6; Symmetrical dyschromatosis of extremities. Last evaluated: 2024-12-19. Review status: criteria provided, single submitter. Criteria: Invitae Variant Classification Sherloc (09022015). Collection method: clinical testing. Allele origin: germline.
Comment: This sequence change replaces phenylalanine, which is neutral and non-polar, with leucine, which is neutral and non-polar, at codon 521 of the ADAR protein (p.Phe521Leu). This variant is not present in population databases (gnomAD no frequency). This variant has not been reported in the literature in individuals affected with ADAR-related conditions. Invitae Evidence Modeling of protein sequence and biophysical properties (such as structural, functional, and spatial information, amino acid conservation, physicochemical variation, residue mobility, and thermodynamic stability) has been performed for this missense variant. However, the output from this modeling did not meet the statistical confidence thresholds required to predict the impact of this variant on ADAR protein function. In summary, the available evidence is currently insufficient to determine the role of this variant in disease. Therefore, it has been classified as a Variant of Uncertain Significance.